The following is an entry in ClinVar:

ClinVar aggregate classification (germline): Uncertain significance (1 of 4 stars; one submission).

Allele frequency attached by ClinVar (database versions not stated): TOPMed below 0.00001; gnomAD 0.00001.
gnomAD v4.1: 39 of 1,613,418 alleles (0.0024%); highest among the groups gnomAD compares: Non-Finnish European, 0.0032%; no homozygotes.

Submission:

Labcorp Genetics (formerly Invitae), Labcorp
Classification: Uncertain significance. Last evaluated: 2022-05-16. Review status: criteria provided, single submitter. Criteria: Invitae Variant Classification Sherloc (09022015). Collection method: clinical testing. Allele origin: germline.
Comment: This sequence change replaces isoleucine, which is neutral and non-polar, with leucine, which is neutral and non-polar, at codon 2369 of the VPS13A protein (p.Ile2369Leu). This variant is present in population databases (no rsID available, gnomAD 0.004%). This variant has not been reported in the literature in individuals affected with VPS13A-related conditions. Algorithms developed to predict the effect of missense changes on protein structure and function (SIFT, PolyPhen-2, Align-GVGD) all suggest that this variant is likely to be tolerated. Algorithms developed to predict the effect of sequence changes on RNA splicing suggest that this variant may disrupt the consensus splice site. In summary, the available evidence is currently insufficient to determine the role of this variant in disease. Therefore, it has been classified as a Variant of Uncertain Significance.

NM_033305.3(VPS13A):c.7105A>T (p.Ile2369Leu)

Gene: VPS13A (vacuolar protein sorting 13 homolog A; plus strand). Cytogenetic location: 9q21.2.
Variant type: single nucleotide variant.
Coding change: c.7105A>T on transcript NM_033305.3 (MANE Select); coding-DNA position 7105, A replaced by T.
Protein change: p.Ile2369Leu; replaces isoleucine 2369 with leucine.
Molecular consequence: missense variant.
Genome position (GRCh38, 1-based): chr9:77,344,231, A>T. VCF-style: chr9-77344231-A-T. GRCh37 (hg19) VCF-style: chr9-79959147-A-T.
Other names: c.6988A>T, p.Ile2330Leu (NM_001018037.2); c.7105A>T, p.Ile2369Leu (NM_001018038.3, NM_015186.4); short protein forms I2369L, I2330L.
Identifiers: ClinVar variation 2181250 (VCV002181250.1), dbSNP rs913985442, ClinGen allele CA194388917.
Genomic context (GRCh38, chr9:77,344,231, plus strand): 5'-GAGTATGCTTCTAGTAAACTTCTTATTCAAGTCGAAAGGAGTGAAGATCCTCCCAAAAGG[A>T]TATATTTTAACAAGCAGGAAAATTGTATTCTATTGCGTCTAGATAACGAGGTAAGTTTTT-3'
Protein context (NP_150648.2, residues 2359-2379): VERSEDPPKR[Ile2369Leu]YFNKQENCIL